The following is an entry in ClinVar:

ClinVar aggregate classification (germline): Likely benign. Review status: criteria provided, multiple submitters, no conflicts (2 of 4 stars). 7 submissions from 3 submitters: Likely benign (7). Last evaluated 2023-08-30.

Conditions:
Dystonia 9 (DYT9). Also called: CHOREOATHETOSIS, KINESIGENIC, WITH EPISODIC ATAXIA AND SPASTICITY. Identifiers: Orphanet 53583, MedGen C1832855, MONDO:0010983, OMIM 601042.
Epilepsy, idiopathic generalized, susceptibility to, 12 (EIG12). Identifiers: MedGen C3553859, MONDO:0013919, OMIM 614847.
Encephalopathy due to GLUT1 deficiency. Also called: De Vivo disease; Classic Glucose Transporter Type 1 Deficiency Syndrome; GLUT1 deficiency syndrome 1, infantile onset, severe; GLUCOSE TRANSPORT DEFECT, BLOOD-BRAIN BARRIER; Glucose transporter protein syndrome; GLUT1 deficiency syndrome 1. Identifiers: Orphanet 71277, MedGen C4551966, MONDO:0011724, OMIM 606777.
GLUT1 deficiency syndrome 1, autosomal recessive. Identifiers: MedGen C3149117.
Childhood onset GLUT1 deficiency syndrome 2. Also called: GLUT1 deficiency syndrome 2; Paroxysmal exercise-induced dystonia; Exertion-induced paroxysmal dyskinesia; PxMD-SLC2A1; PAROXYSMAL EXERCISE-INDUCED DYSKINESIA WITH OR WITHOUT EPILEPSY AND/OR HEMOLYTIC ANEMIA; PAROXYSMAL EXERTION-INDUCED DYSTONIA WITH OR WITHOUT EPILEPSY AND/OR HEMOLYTIC ANEMIA. Identifiers: Orphanet 98811, MedGen C1842534, MONDO:0012805, OMIM 612126.
Hereditary cryohydrocytosis with reduced stomatin. Also called: Stomatin-deficient cryohydrocytosis with neurologic defects; GLUT1 DEFICIENCY SYNDROME WITH PSEUDOHYPERKALEMIA AND HEMOLYSIS. Identifiers: Orphanet 168577, MedGen C1837206, MONDO:0012143, OMIM 608885.

Allele frequency attached by ClinVar (database versions not stated): gnomAD exomes below 0.00001; TOPMed below 0.00001; ExAC 0.00001; gnomAD 0.00001.
gnomAD v4.1: 3 of 1,613,346 alleles (0.00019%); highest among the groups gnomAD compares: African/African-American, 0.0027%; no homozygotes.

Submissions (7):

Labcorp Genetics (formerly Invitae), Labcorp
Classification: Likely benign for GLUT1 deficiency syndrome 1, autosomal recessive. Last evaluated: 2023-08-30. Review status: criteria provided, single submitter. Criteria: Invitae Variant Classification Sherloc (09022015). Collection method: clinical testing. Allele origin: germline.

Genome-Nilou Lab
Classification: Likely benign for Epilepsy, idiopathic generalized, susceptibility to, 12. Last evaluated: 2023-04-11. Review status: criteria provided, single submitter. Criteria: ACMG Guidelines, 2015. Collection method: clinical testing. Allele origin: germline. Affected: no.

Genome-Nilou Lab
Classification: Likely benign for Dystonia 9. Last evaluated: 2023-04-11. Review status: criteria provided, single submitter. Criteria: ACMG Guidelines, 2015. Collection method: clinical testing. Allele origin: germline. Affected: no.

Genome-Nilou Lab
Classification: Likely benign for Encephalopathy due to GLUT1 deficiency. Last evaluated: 2023-04-11. Review status: criteria provided, single submitter. Criteria: ACMG Guidelines, 2015. Collection method: clinical testing. Allele origin: germline. Affected: no.

Genome-Nilou Lab
Classification: Likely benign for Childhood onset GLUT1 deficiency syndrome 2. Last evaluated: 2023-04-11. Review status: criteria provided, single submitter. Criteria: ACMG Guidelines, 2015. Collection method: clinical testing. Allele origin: germline. Affected: no.

Genome-Nilou Lab
Classification: Likely benign for Hereditary cryohydrocytosis with reduced stomatin. Last evaluated: 2023-04-11. Review status: criteria provided, single submitter. Criteria: ACMG Guidelines, 2015. Collection method: clinical testing. Allele origin: germline. Affected: no.

Women's Health and Genetics/Laboratory Corporation of America, LabCorp
Classification: Likely benign. Last evaluated: 2022-02-01. Review status: criteria provided, single submitter. Criteria: LabCorp Variant Classification Summary - May 2015. Collection method: clinical testing. Allele origin: germline.
Comment: Variant summary: SLC2A1 c.1069C>T alters a non-conserved nucleotide resulting in a synonymous change. 4/4 computational tools predict no significant impact on normal splicing. However, these predictions have yet to be confirmed by functional studies. The variant allele was found at a frequency of 4e-06 in 250970 control chromosomes. The available data on variant occurrences in the general population are insufficient to allow any conclusion about variant significance. To our knowledge, no occurrence of c.1069C>T in individuals affected with GLUT1 Deficiency Syndrome 1 and no experimental evidence demonstrating its impact on protein function have been reported. One clinical diagnostic laboratory has submitted clinical-significance assessments for this variant to ClinVar after 2014 without evidence for independent evaluation. One laboratory classified the variant as likely benign. Based on the evidence outlined above, the variant was classified as likely benign.

NM_006516.4(SLC2A1):c.1069C>T (p.Leu357=)

Gene: SLC2A1 (solute carrier family 2 member 1; minus strand). Cytogenetic location: 1p34.2.
Variant type: single nucleotide variant.
Coding change: c.1069C>T on transcript NM_006516.4 (MANE Select); coding-DNA position 1069, C replaced by T.
Protein change: p.Leu357=; no amino-acid change (leucine 357 retained).
Molecular consequence: synonymous variant.
Genome position (GRCh38, 1-based): chr1:42,928,937, G>A on the plus strand (C>T on the coding strand, the complement: SLC2A1 is on the minus strand). VCF-style: chr1-42928937-G-A. GRCh37 (hg19) VCF-style: chr1-43394608-G-A.
Identifiers: ClinVar variation 1093513 (VCV001093513.10), dbSNP rs755679518, ClinGen allele CA803358.